The following is an entry in ClinVar:

NM_000256.3(MYBPC3):c.553A>T (p.Lys185Ter)

Gene: MYBPC3 (myosin binding protein C3; minus strand). Cytogenetic location: 11p11.2.
Variant type: single nucleotide variant.
Coding change: c.553A>T on transcript NM_000256.3 (MANE Select); coding-DNA position 553, A replaced by T.
Protein change: p.Lys185Ter; replaces lysine 185 with a stop codon.
Molecular consequence: nonsense.
Genome position (GRCh38, 1-based): chr11:47,349,875, T>A on the plus strand (A>T on the coding strand, the complement: MYBPC3 is on the minus strand). VCF-style: chr11-47349875-T-A. GRCh37 (hg19) VCF-style: chr11-47371426-T-A.
Other names: p.K185*:AAG>TAG; c.553A>T, p.Lys185Ter (LRG_386t1); short protein forms K185*.
Identifiers: ClinVar variation 181044 (VCV000181044.16), dbSNP rs375607980, ClinGen allele CA015470.

ClinVar aggregate classification (germline): Pathogenic/Likely pathogenic. Review status: criteria provided, multiple submitters, no conflicts (2 of 4 stars). 6 submissions from 6 submitters: Pathogenic (5); Likely pathogenic (1). Last evaluated 2026-01-22.

Conditions:
Cardiovascular phenotype. Identifiers: MedGen CN230736.
Cardiomyopathy (CMYO). Also called: Cardiomyopathies. Identifiers: Orphanet 167848, MedGen C0878544, MONDO:0004994, HP:0001638. Inheritance: Various modes of inheritance.
Hypertrophic cardiomyopathy 4. Also called: Familial hypertrophic cardiomyopathy 4. Identifiers: MedGen C1861862, MONDO:0007268, OMIM 115197.
Hypertrophic cardiomyopathy. Also called: HYPERTROPHIC MYOCARDIOPATHY. Identifiers: Orphanet 217569, MedGen C0007194, MeSH D002312, MONDO:0005045, HP:0001639.

Submissions (6):

GeneDx
Classification: Pathogenic. Last evaluated: 2026-01-22. Review status: criteria provided, single submitter. Criteria: GeneDx Variant Classification Process June 2021. Collection method: clinical testing. Allele origin: germline. Affected: yes.
Comment: Not observed at significant frequency in large population cohorts (gnomAD); Nonsense variant predicted to result in protein truncation or nonsense mediated decay in a gene for which loss of function is a known mechanism of disease; This variant is associated with the following publications: (PMID: 27483260)

Ambry Genetics
Classification: Pathogenic for Cardiovascular phenotype. Last evaluated: 2024-02-01. Review status: criteria provided, single submitter. Criteria: Ambry Variant Classification Scheme 2023. Collection method: clinical testing. Allele origin: germline.
Comment: The p.K185* pathogenic mutation (also known as c.553A>T), located in coding exon 5 of the MYBPC3 gene, results from an A to T substitution at nucleotide position 553. This changes the amino acid from a lysine to a stop codon within coding exon 5. This variant was reported in an individual with features consistent with hypertrophic cardiomyopathy (Rubattu S et al. Int J Mol Sci, 2016 Jul;17). This variant is considered to be rare based on population cohorts in the Genome Aggregation Database (gnomAD). In addition to the clinical data presented in the literature, this alteration is expected to result in loss of function by premature protein truncation or nonsense-mediated mRNA decay. As such, this alteration is interpreted as a disease-causing mutation.

Labcorp Genetics (formerly Invitae), Labcorp
Classification: Pathogenic for Hypertrophic cardiomyopathy. Last evaluated: 2021-05-19. Review status: criteria provided, single submitter. Criteria: Invitae Variant Classification Sherloc (09022015). Collection method: clinical testing. Allele origin: germline.
Comment: For these reasons, this variant has been classified as Pathogenic. This variant has been observed in individual(s) with hypertrophic cardiomyopathy (HCM) (PMID: 27483260). ClinVar contains an entry for this variant (Variation ID: 181044). This variant is not present in population databases (ExAC no frequency). This sequence change creates a premature translational stop signal (p.Lys185*) in the MYBPC3 gene. It is expected to result in an absent or disrupted protein product. Loss-of-function variants in MYBPC3 are known to be pathogenic (PMID: 19574547).

Institute of Medical Genetics and Applied Genomics, University Hospital Tübingen
Classification: Pathogenic. Last evaluated: 2020-10-23. Review status: criteria provided, single submitter. Criteria: ACMG Guidelines, 2015. Collection method: clinical testing. Allele origin: germline. Inheritance: Autosomal dominant inheritance. Affected: yes.

Victorian Clinical Genetics Services, Murdoch Childrens Research Institute
Classification: Pathogenic for Hypertrophic cardiomyopathy 4. Last evaluated: 2020-05-26. Review status: criteria provided, single submitter. Criteria: ACMG Guidelines, 2015. Collection method: clinical testing. Allele origin: germline.
Comment: Based on the classification scheme VCGS_Germline_v1.1.1, this variant is classified as Pathogenic. Following criteria are met: 0102 Loss-of-function is a known mechanism of disease for this gene. Premature termination variants have previously been reported in this gene (ClinVar). (N) 0108 This gene is known to be associated with both recessive and dominant disease (OMIM). (N) 0201 Variant is predicted to cause nonsense-mediated decay (NMD) and loss of protein (exon 5 of 35). (P) 0251 Variant is heterozygous. (N) 0301 Variant is absent from gnomAD. (P) 0701 Comparable variants have very strong previous evidence for pathogenicity. Multiple NMD-predicted variants have previously been reported pathogenic (ClinVar). (P) 0802 Moderate previous evidence of pathogenicity in unrelated individuals. This variant has previously been reported in clinical cases (ClinVar; PMID 27483260). (P) 0905 No segregation evidence has been identified for this variant. (N) 1007 No published functional evidence has been identified for this variant. (N) 1208 Inheritance information for this variant is not currently available. (N) Legend: (P) - Pathogenic, (N) - Neutral, (B) - Benign

CHEO Genetics Diagnostic Laboratory, Children's Hospital of Eastern Ontario
Classification: Likely pathogenic for Cardiomyopathy. Last evaluated: 2020-02-13. Review status: criteria provided, single submitter. Criteria: ACMG Guidelines, 2015. Collection method: clinical testing. Allele origin: germline.

Literature cited by the submitters: PubMed 27483260 (cited by 3 submitters); PubMed 19574547 (cited by Labcorp Genetics (formerly Invitae), Labcorp).